The following is an entry in ClinVar:

ClinVar aggregate classification (germline): Likely benign. Review status: criteria provided, multiple submitters, no conflicts (2 of 4 stars). 2 submissions from 2 submitters: Likely benign (2). Last evaluated 2022-05-01.

Allele frequency attached by ClinVar (database versions not stated): ExAC 0.00004; TOPMed 0.00021; gnomAD 0.00023; ESP Exome Variant Server 0.00029.
gnomAD v4.1: 74 of 1,612,562 alleles (0.0046%); highest among the groups gnomAD compares: African/African-American, 0.087%; no homozygotes.

Submissions (2):

CeGaT Center for Human Genetics Tuebingen
Classification: Likely benign. Last evaluated: 2022-05-01. Review status: criteria provided, single submitter. Criteria: CeGaT Center For Human Genetics Tuebingen Variant Classification Criteria Version 2. Collection method: clinical testing. Allele origin: germline. Affected: yes. Observed: 2 variant alleles.
Comment: MCF2L: BP4

Ambry Genetics
Classification: Likely benign. Last evaluated: 2021-08-17. Review status: criteria provided, single submitter. Criteria: Ambry Variant Classification Scheme 2023. Collection method: clinical testing. Allele origin: germline.

NM_001112732.3(MCF2L):c.2995G>A (p.Asp999Asn)

Gene: MCF2L (MCF.2 cell line derived transforming sequence like; plus strand). Cytogenetic location: 13q34.
Variant type: single nucleotide variant.
Coding change: c.2995G>A on transcript NM_001112732.3 (MANE Select); coding-DNA position 2995, G replaced by A.
Protein change: p.Asp999Asn; replaces aspartic acid 999 with asparagine.
Molecular consequence: missense variant.
Genome position (GRCh38, 1-based): chr13:113,094,555, G>A. VCF-style: chr13-113094555-G-A. GRCh37 (hg19) VCF-style: chr13-113748869-G-A.
Other names: c.2881G>A, p.Asp961Asn (NM_001366646.2); c.2989G>A, p.Asp997Asn (NM_024979.5); c.3064G>A, p.Asp1022Asn (NM_001320815.2); c.3007G>A, p.Asp1003Asn (NM_001320816.2); c.2908G>A, p.Asp970Asn (NM_001366644.2); c.2956G>A, p.Asp986Asn (NM_001366645.2); short protein forms D961N, D986N, D997N, D999N, D1003N, D1022N, D970N.
Identifiers: ClinVar variation 2391656 (VCV002391656.26), dbSNP rs373733350, ClinGen allele CA7059577.